The following is an entry in ClinVar:

ClinVar aggregate classification (germline): Likely pathogenic (1 of 4 stars; one submission).

Conditions:
Severe X-linked myotubular myopathy (CNMX). Also called: X-linked centronuclear myopathy; Myotubular myopathy, X-linked; MYOTUBULAR MYOPATHY 1. Identifiers: Orphanet 596, MedGen C0410203, MONDO:0010683, OMIM 310400.

Allele frequency attached by ClinVar (database versions not stated): ExAC 0.00003.

Submission:

Labcorp Genetics (formerly Invitae), Labcorp
Classification: Likely pathogenic for Severe X-linked myotubular myopathy. Last evaluated: 2019-11-15. Review status: criteria provided, single submitter. Criteria: Invitae Variant Classification Sherloc (09022015). Collection method: clinical testing. Allele origin: germline.
Comment: Donor and acceptor splice site variants typically lead to a loss of protein function (PMID: 16199547), and loss-of-function variants in MTM1 are known to be pathogenic (PMID: 9305655, 10063835). This variant has not been reported in the literature in individuals with MTM1-related conditions. The frequency data for this variant in the population databases is considered unreliable, as metrics indicate poor data quality at this position in the ExAC database. This sequence change affects an acceptor splice site in intron 12 of the MTM1 gene. It is expected to disrupt RNA splicing and likely results in an absent or disrupted protein product. In summary, the currently available evidence indicates that the variant is pathogenic, but additional data are needed to prove that conclusively. Therefore, this variant has been classified as Likely Pathogenic.

Literature cited by the submitters: PubMed 16199547; PubMed 9305655; PubMed 10063835.

NM_000252.3(MTM1):c.1354-2A>T

Gene: MTM1 (myotubularin 1; plus strand). Cytogenetic location: Xq28.
Variant type: single nucleotide variant.
Coding change: c.1354-2A>T on transcript NM_000252.3 (MANE Select); the canonical splice acceptor site of the intron before coding-DNA position 1354, A replaced by T.
Molecular consequence: splice acceptor variant.
Genome position (GRCh38, 1-based): chrX:150,660,369, A>T. VCF-style: chrX-150660369-A-T. GRCh37 (hg19) VCF-style: chrX-149828842-A-T.
Other names: c.1354-2A>T (NM_001376908.1, NM_001376906.1); c.1243-2A>T (NM_001376907.1).
Identifiers: ClinVar variation 965080 (VCV000965080.8), dbSNP rs781835307, ClinGen allele CA10539252.
Genomic context (GRCh38, chrX:150,660,369, plus strand): 5'-TTTCTAATTTTATAAAGTTTCAGTCCCAGTTTTTCATGCTTTGTTTGCTTGTTTTTGTTT[A>T]GTTCCCTACAGCTTTTGAATTCAATGAACAATTTTTGATTATAATTTTGGATCATCTGTA-3'